The following is an entry in ClinVar:

ClinVar aggregate classification (germline): Uncertain significance. Review status: criteria provided, multiple submitters, no conflicts (2 of 4 stars). 3 submissions from 3 submitters: Uncertain significance (3). Last evaluated 2025-10-13.

Conditions:
Familial temporal lobe epilepsy 7. Identifiers: Orphanet 101046, MedGen C4225327, MONDO:0014639, OMIM 616436.
Norman-Roberts syndrome (LIS2). Also called: Lissencephaly 2 (Norman-Roberts type). Identifiers: Orphanet 89844, MedGen C0796089, MONDO:0009760, OMIM 257320.

Allele frequency attached by ClinVar (database versions not stated): ExAC 0.00002; gnomAD 0.00002 and 0.00003; TOPMed 0.00003; ESP Exome Variant Server 0.00008.
gnomAD v4.1: 10 of 1,613,048 alleles (0.00062%); highest among the groups gnomAD compares: Non-Finnish European, 0.00085%; no homozygotes.

Submissions (3):

Labcorp Genetics (formerly Invitae), Labcorp
Classification: Uncertain significance for Familial temporal lobe epilepsy 7; Norman-Roberts syndrome. Last evaluated: 2025-10-13. Review status: criteria provided, single submitter. Criteria: Invitae Variant Classification Sherloc (09022015). Collection method: clinical testing. Allele origin: germline.
Comment: This sequence change replaces isoleucine, which is neutral and non-polar, with phenylalanine, which is neutral and non-polar, at codon 650 of the RELN protein (p.Ile650Phe). This variant is present in population databases (rs371652596, gnomAD 0.003%). This variant has not been reported in the literature in individuals affected with RELN-related conditions. ClinVar contains an entry for this variant (Variation ID: 547025). Invitae Evidence Modeling of protein sequence and biophysical properties (such as structural, functional, and spatial information, amino acid conservation, physicochemical variation, residue mobility, and thermodynamic stability) indicates that this missense variant is not expected to disrupt RELN protein function with a negative predictive value of 80%. In summary, the available evidence is currently insufficient to determine the role of this variant in disease. Therefore, it has been classified as a Variant of Uncertain Significance.

Illumina Laboratory Services, Illumina
Classification: Uncertain significance for Norman-Roberts syndrome. Last evaluated: 2018-03-23. Review status: criteria provided, single submitter. Criteria: ICSL Variant Classification Criteria 13 December 2019. Collection method: clinical testing. Allele origin: germline.

CeGaT Center for Human Genetics Tuebingen
Classification: Uncertain significance. Last evaluated: 2018-01-01. Review status: criteria provided, single submitter. Criteria: CeGaT Center For Human Genetics Tuebingen Variant Classification Criteria Version 2. Collection method: clinical testing. Allele origin: germline. Affected: yes. Observed: 1 variant allele.

NM_005045.4(RELN):c.1948A>T (p.Ile650Phe)

Gene: RELN (reelin; minus strand). Cytogenetic location: 7q22.1.
Variant type: single nucleotide variant.
Coding change: c.1948A>T on transcript NM_005045.4 (MANE Select); coding-DNA position 1948, A replaced by T.
Protein change: p.Ile650Phe; replaces isoleucine 650 with phenylalanine.
Molecular consequence: missense variant.
Genome position (GRCh38, 1-based): chr7:103,650,328, T>A on the plus strand (A>T on the coding strand, the complement: RELN is on the minus strand). VCF-style: chr7-103650328-T-A. GRCh37 (hg19) VCF-style: chr7-103290775-T-A.
Other names: c.1948A>T, p.Ile650Phe (NM_173054.3); short protein forms I650F.
Identifiers: ClinVar variation 547025 (VCV000547025.54), dbSNP rs371652596, ClinGen allele CA4422124.
Genomic context (GRCh38, chr7:103,650,328, plus strand): 5'-ACTAACCATTATCAATTGCCCACATGTTTCCAAGGATTGGTCCTGTTTGTCTCCAGCGAA[T>A]CCTGGTGTTCCGGGTTAGTGCTGCGTTAGGAAGGGGAATTGTTATTCGGTTCCACCTGCA-3'
Protein context (NP_005036.2, residues 640-660): PNAALTRNTR[Ile650Phe]RWRQTGPILG